The following is an entry in ClinVar:

NM_001374736.1(DST):c.15810C>T (p.Asn5270=)

Gene: DST (dystonin; minus strand). Cytogenetic location: 6p12.1.
Variant type: single nucleotide variant.
Coding change: c.15810C>T on transcript NM_001374736.1 (MANE Select); coding-DNA position 15810, C replaced by T.
Protein change: p.Asn5270=; no amino-acid change (asparagine 5270 retained).
Molecular consequence: synonymous variant.
Genome position (GRCh38, 1-based): chr6:56,552,982, G>A on the plus strand (C>T on the coding strand, the complement: DST is on the minus strand). VCF-style: chr6-56552982-G-A. GRCh37 (hg19) VCF-style: chr6-56417780-G-A.
Other names: c.9453C>T, p.Asn3151= (NM_001144769.5); c.9039C>T, p.Asn3013= (NM_001144770.2); c.15810C>T, p.Asn5270= (NM_001374722.1); c.15177C>T, p.Asn5059= (NM_001374729.1); c.8919C>T, p.Asn2973= (NM_001374730.1, NM_001386100.1, NM_183380.4); c.15837C>T, p.Asn5279= (NM_001374734.1); c.7941C>T, p.Asn2647= (NM_015548.5).
Identifiers: ClinVar variation 4681994 (VCV004681994.5).

ClinVar aggregate classification (germline): Likely benign (1 of 4 stars; one submission).

Submission:

CeGaT Center for Human Genetics Tuebingen
Classification: Likely benign. Last evaluated: 2025-12-01. Review status: criteria provided, single submitter. Criteria: CeGaT Center For Human Genetics Tuebingen Variant Classification Criteria Version 2. Collection method: clinical testing. Allele origin: germline. Affected: yes. Observed: 1 variant allele.
Comment: DST: PM2:Supporting, BP4, BP7